The following is an entry in ClinVar:

NM_001005242.3(PKP2):c.2009G>A (p.Gly670Glu)

Gene: PKP2 (plakophilin 2; minus strand). Cytogenetic location: 12p11.21.
Variant type: single nucleotide variant.
Coding change: c.2009G>A on transcript NM_001005242.3 (MANE Select); coding-DNA position 2009, G replaced by A.
Protein change: p.Gly670Glu; replaces glycine 670 with glutamic acid.
Molecular consequence: missense variant.
Genome position (GRCh38, 1-based): chr12:32,821,360, C>T on the plus strand (G>A on the coding strand, the complement: PKP2 is on the minus strand). VCF-style: chr12-32821360-C-T. GRCh37 (hg19) VCF-style: chr12-32974294-C-T.
Other names: c.2009G>A, p.Gly670Glu (NM_001407155.1, NM_001407161.1); c.1844G>A, p.Gly615Glu (NM_001407156.1); c.2141G>A, p.Gly714Glu (NM_001407157.1, NM_004572.4); c.1682G>A, p.Gly561Glu (NM_001407158.1, NM_001407159.1, NM_001407160.1 and 1 more transcripts); short protein forms G615E, G561E, G670E, G714E.
Identifiers: ClinVar variation 5026779 (VCV005026779.1).

ClinVar aggregate classification (germline): Uncertain significance (1 of 4 stars; one submission).

Conditions:
Cardiovascular phenotype. Identifiers: MedGen CN230736.

Submission:

Ambry Genetics
Classification: Uncertain significance for Cardiovascular phenotype. Last evaluated: 2026-07-02. Review status: criteria provided, single submitter. Criteria: Ambry Variant Classification Scheme 2023. Collection method: clinical testing. Allele origin: germline.
Comment: The p.G714E variant (also known as c.2141G>A), located in coding exon 10 of the PKP2 gene, results from a G to A substitution at nucleotide position 2141. The glycine at codon 714 is replaced by glutamic acid, an amino acid with similar properties. This amino acid position is conserved. In addition, the in silico prediction for this alteration is inconclusive. Based on the available evidence, the clinical significance of this variant remains unclear.